The following is an entry in ClinVar:

NM_002617.4(PEX10):c.436C>G (p.Arg146Gly)

Gene: PEX10 (peroxisomal biogenesis factor 10; minus strand). Cytogenetic location: 1p36.32.
Variant type: single nucleotide variant.
Coding change: c.436C>G on transcript NM_002617.4 (MANE Select); coding-DNA position 436, C replaced by G.
Protein change: p.Arg146Gly; replaces arginine 146 with glycine.
Molecular consequence: missense variant. On other transcripts: non-coding transcript variant (1).
Genome position (GRCh38, 1-based): chr1:2,408,616, G>C on the plus strand (C>G on the coding strand, the complement: PEX10 is on the minus strand). VCF-style: chr1-2408616-G-C. GRCh37 (hg19) VCF-style: chr1-2340055-G-C.
Other names: c.436C>G, p.Arg146Gly (NM_001374425.1, NM_153818.2); c.4C>G, p.Arg2Gly (NM_001374426.1, NM_001374427.1); short protein forms R146G, R2G.
Identifiers: ClinVar variation 452215 (VCV000452215.7), dbSNP rs1184194956, ClinGen allele CA337987846.

ClinVar aggregate classification (germline): Uncertain significance. Review status: criteria provided, multiple submitters, no conflicts (2 of 4 stars). 2 submissions from 2 submitters: Uncertain significance (2). Last evaluated 2022-02-03.

Conditions:
Peroxisome biogenesis disorder, complementation group 7 (CG7). Also called: Peroxisome biogenesis disorder, complementation group B. Identifiers: MedGen C1864399.

Submissions (2):

Labcorp Genetics (formerly Invitae), Labcorp
Classification: Uncertain significance for Peroxisome biogenesis disorder, complementation group 7. Last evaluated: 2022-02-03. Review status: criteria provided, single submitter. Criteria: Invitae Variant Classification Sherloc (09022015). Collection method: clinical testing. Allele origin: germline.
Comment: This sequence change replaces arginine, which is basic and polar, with glycine, which is neutral and non-polar, at codon 146 of the PEX10 protein (p.Arg146Gly). This variant is not present in population databases (gnomAD no frequency). This variant has not been reported in the literature in individuals affected with PEX10-related conditions. ClinVar contains an entry for this variant (Variation ID: 452215). Algorithms developed to predict the effect of missense changes on protein structure and function are either unavailable or do not agree on the potential impact of this missense change (SIFT: "Tolerated"; PolyPhen-2: "Possibly Damaging"; Align-GVGD: "Class C0"). In summary, the available evidence is currently insufficient to determine the role of this variant in disease. Therefore, it has been classified as a Variant of Uncertain Significance.

GeneDx
Classification: Uncertain significance. Last evaluated: 2017-09-22. Review status: criteria provided, single submitter. Criteria: GeneDx Variant Classification (06012015). Collection method: clinical testing. Allele origin: germline. Affected: yes.
Comment: The R146G variant in the PEX10 gene has not been reported previously as a pathogenic variant, nor as a benign variant, to our knowledge. The R146G variant is not observed in large population cohorts (Lek et al., 2016). The R146G variant is a non-conservative amino acid substitution, which is likely to impact secondary protein structure as these residues differ in polarity, charge, size and/or other properties. This substitution occurs at a position that is not conserved. In silico analysis is inconsistent in its predictions as to whether or not the variant is damaging to the protein structure/function. We interpret R146G as a variant of uncertain significance.